The following is an entry in ClinVar:

NM_000302.4(PLOD1):c.1748A>G (p.Asn583Ser)

Gene: PLOD1 (procollagen-lysine,2-oxoglutarate 5-dioxygenase 1; plus strand). Cytogenetic location: 1p36.22.
Variant type: single nucleotide variant.
Coding change: c.1748A>G on transcript NM_000302.4 (MANE Select); coding-DNA position 1748, A replaced by G.
Protein change: p.Asn583Ser; replaces asparagine 583 with serine.
Molecular consequence: missense variant.
Genome position (GRCh38, 1-based): chr1:11,967,084, A>G. VCF-style: chr1-11967084-A-G. GRCh37 (hg19) VCF-style: chr1-12027141-A-G.
Other names: c.1889A>G, p.Asn630Ser (NM_001316320.2); short protein forms N630S, N583S.
Identifiers: ClinVar variation 1779327 (VCV001779327.2), dbSNP rs764804887, ClinGen allele CA598530.
Genomic context (GRCh38, chr1:11,967,084, plus strand): 5'-AGGTGGCCTGTGATGAGCTGGTGGAGGAGATGGAGCACTTTGGCCAGTGGTCTCTGGGCA[A>G]CAACAAGGTGGGACCCTGATGCCTGGGCTGGGGCCGCAGGGAGGCTGCCTCTCCATCAGT-3'
Protein context (NP_000293.2, residues 573-593): MEHFGQWSLG[Asn583Ser]NKDNRIQGGY

ClinVar aggregate classification (germline): Uncertain significance (1 of 4 stars; one submission).

Conditions:
Familial thoracic aortic aneurysm and aortic dissection (TAAD). Also called: Thoracic aortic aneurysms and dissections. Identifiers: Orphanet 91387, MedGen C4707243, MONDO:0019625.

Allele frequency attached by ClinVar (database versions not stated): TOPMed below 0.00001; ExAC 0.00001; gnomAD 0.00001; gnomAD exomes 0.00001.
gnomAD v4.1: 9 of 1,605,638 alleles (0.00056%); highest among the groups gnomAD compares: Non-Finnish European, 0.00077%; no homozygotes.

Submission:

Ambry Genetics
Classification: Uncertain significance for Familial thoracic aortic aneurysm and aortic dissection. Last evaluated: 2021-11-02. Review status: criteria provided, single submitter. Criteria: Ambry Variant Classification Scheme 2023. Collection method: clinical testing. Allele origin: germline.
Comment: The p.N583S variant (also known as c.1748A>G), located in coding exon 16 of the PLOD1 gene, results from an A to G substitution at nucleotide position 1748. The asparagine at codon 583 is replaced by serine, an amino acid with highly similar properties. This amino acid position is conserved. In addition, this alteration is predicted to be tolerated by in silico analysis. Since supporting evidence is limited at this time, the clinical significance of this alteration remains unclear.